The following is an entry in ClinVar:

ClinVar aggregate classification (germline): Uncertain significance. Review status: criteria provided, multiple submitters, no conflicts (2 of 4 stars). 2 submissions from 2 submitters: Uncertain significance (2). Last evaluated 2022-04-11.

Conditions:
Vanishing white matter disease. Also called: CACH syndrome; Childhood ataxia with diffuse central nervous system hypomyelination; Leukoencephalopathy with vanishing white matter; CACH/VWM syndrome; Cree leukoencehalopathy. Identifiers: Orphanet 135, Orphanet 99853, MedGen C1858991, MONDO:0800448.

Allele frequency attached by ClinVar (database versions not stated): gnomAD 0.00001; gnomAD exomes 0.00002 and 0.00003; TOPMed 0.00002; ExAC 0.00003.

Submissions (2):

Labcorp Genetics (formerly Invitae), Labcorp
Classification: Uncertain significance. Last evaluated: 2022-04-11. Review status: criteria provided, single submitter. Criteria: Invitae Variant Classification Sherloc (09022015). Collection method: clinical testing. Allele origin: germline.
Comment: This sequence change replaces glycine, which is neutral and non-polar, with serine, which is neutral and polar, at codon 144 of the EIF2B3 protein (p.Gly144Ser). This variant is present in population databases (rs781640168, gnomAD 0.04%). This variant has not been reported in the literature in individuals affected with EIF2B3-related conditions. ClinVar contains an entry for this variant (Variation ID: 874281). Algorithms developed to predict the effect of missense changes on protein structure and function are either unavailable or do not agree on the potential impact of this missense change (SIFT: "Tolerated"; PolyPhen-2: "Possibly Damaging"; Align-GVGD: "Class C0"). Algorithms developed to predict the effect of sequence changes on RNA splicing suggest that this variant may create or strengthen a splice site. In summary, the available evidence is currently insufficient to determine the role of this variant in disease. Therefore, it has been classified as a Variant of Uncertain Significance.

Illumina Laboratory Services, Illumina
Classification: Uncertain significance for Leukoencephalopathy with vanishing white matter 1. Last evaluated: 2018-01-12. Review status: criteria provided, single submitter. Criteria: ICSL Variant Classification Criteria 13 December 2019. Collection method: clinical testing. Allele origin: germline.

NM_020365.5(EIF2B3):c.430G>A (p.Gly144Ser)

Gene: EIF2B3 (eukaryotic translation initiation factor 2B subunit gamma; minus strand). Cytogenetic location: 1p34.1.
Variant type: single nucleotide variant.
Coding change: c.430G>A on transcript NM_020365.5 (MANE Select); coding-DNA position 430, G replaced by A.
Protein change: p.Gly144Ser; replaces glycine 144 with serine.
Molecular consequence: missense variant.
Genome position (GRCh38, 1-based): chr1:44,941,530, C>T on the plus strand (G>A on the coding strand, the complement: EIF2B3 is on the minus strand). VCF-style: chr1-44941530-C-T. GRCh37 (hg19) VCF-style: chr1-45407202-C-T.
Other names: c.430G>A, p.Gly144Ser (NM_001166588.3, NM_001261418.2); short protein forms G144S.
Identifiers: ClinVar variation 874281 (VCV000874281.8), dbSNP rs781640168, ClinGen allele CA824029.
Genomic context (GRCh38, chr1:44,941,530, plus strand): 5'-AACTCAACAAACAAAACAAACTCCAATCTTCCTTACCTGCTTTTTTTTTCCCCTTTTGAC[C>T]GGGAACAGGTTCTATGCTATCTTGGCCTTTTCTCATCAACATAGCAAGTGATGCATCATA-3'
Protein context (NP_065098.1, residues 134-154): KGQDSIEPVP[Gly144Ser]QKGKKKAVEQ